The following is an entry in ClinVar:

ClinVar aggregate classification (germline): Conflicting classifications of pathogenicity. Review status: criteria provided, conflicting classifications (1 of 4 stars). 3 submissions from 3 submitters: Uncertain significance (2); Likely benign (1). Last evaluated 2024-12-03.

Conditions:
Inborn genetic diseases. Identifiers: MedGen C0950123, MeSH D030342.
Spastic paraplegia. Identifiers: MedGen C0037772, HP:0001258.

Allele frequency attached by ClinVar (database versions not stated): ExAC 0.00001; gnomAD 0.00001; gnomAD exomes 0.00001; TOPMed 0.00002.

Submissions (3):

Ambry Genetics
Classification: Uncertain significance for Inborn genetic diseases. Last evaluated: 2024-12-03. Review status: criteria provided, single submitter. Criteria: Ambry Variant Classification Scheme 2023. Collection method: clinical testing. Allele origin: germline.

Labcorp Genetics (formerly Invitae), Labcorp
Classification: Likely benign for Spastic paraplegia. Last evaluated: 2024-10-23. Review status: criteria provided, single submitter. Criteria: Invitae Variant Classification Sherloc (09022015). Collection method: clinical testing. Allele origin: germline.

Athena Diagnostics
Classification: Uncertain significance. Last evaluated: 2023-05-17. Review status: criteria provided, single submitter. Criteria: Athena Diagnostics Criteria. Collection method: clinical testing. Allele origin: unknown.
Comment: Available data are insufficient to determine the clinical significance of the variant at this time. The frequency of this variant in the general population is uninformative in assessment of its pathogenicity. This variant has been identified in at least one individual with clinical features associated with this gene. Computational tools disagree on the variant's effect on normal protein function.

NM_014363.6(SACS):c.7993C>T (p.Arg2665Cys)

Gene: SACS (sacsin molecular chaperone; minus strand). Cytogenetic location: 13q12.12.
Variant type: single nucleotide variant.
Coding change: c.7993C>T on transcript NM_014363.6 (MANE Select); coding-DNA position 7993, C replaced by T.
Protein change: p.Arg2665Cys; replaces arginine 2665 with cysteine.
Molecular consequence: missense variant.
Genome position (GRCh38, 1-based): chr13:23,335,883, G>A on the plus strand (C>T on the coding strand, the complement: SACS is on the minus strand). VCF-style: chr13-23335883-G-A. GRCh37 (hg19) VCF-style: chr13-23910022-G-A.
Other names: c.7552C>T, p.Arg2518Cys (NM_001278055.2); short protein forms R2518C, R2665C.
Identifiers: ClinVar variation 2684333 (VCV002684333.5), dbSNP rs749931330, ClinGen allele CA6910837.
Genomic context (GRCh38, chr13:23,335,883, plus strand): 5'-AAAGATCCAGAACATCTGAGAACTGTGTCCTAAAATCTGCATCCAAATCTCTAAACATGC[G>A]TCCGGGACTAATGGATGTGGCCCCTGGTGCATATCTGGCATGAGGATCAAAAATACACAG-3'
Protein context (NP_055178.3, residues 2655-2675): APGATSISPG[Arg2665Cys]MFRDLDADFR